The following is an entry in ClinVar:

NM_001205293.3(CACNA1E):c.4906G>A (p.Glu1636Lys)

Gene: CACNA1E (calcium voltage-gated channel subunit alpha1 E; plus strand). Cytogenetic location: 1q25.3.
Variant type: single nucleotide variant.
Coding change: c.4906G>A on transcript NM_001205293.3 (MANE Select); coding-DNA position 4906, G replaced by A.
Protein change: p.Glu1636Lys; replaces glutamic acid 1636 with lysine.
Molecular consequence: missense variant.
Genome position (GRCh38, 1-based): chr1:181,771,317, G>A. VCF-style: chr1-181771317-G-A. GRCh37 (hg19) VCF-style: chr1-181740453-G-A.
Other names: c.4906G>A, p.Glu1636Lys (NM_000721.4); c.4849G>A, p.Glu1617Lys (NM_001205294.2); short protein forms E1617K, E1636K.
Identifiers: ClinVar variation 3907919 (VCV003907919.1).
Genomic context (GRCh38, chr1:181,771,317, plus strand): 5'-TAATGCTCACTGTTTTCTGTTGTTTCTCTCCTCAAGGTATTTGGAAACATAAAATTAGAC[G>A]AGGAGAGTCACATCAACCGGCACAACAACTTCCGGAGTTTCTTTGGGTCCCTAATGCTAC-3'
Protein context (NP_001192222.1, residues 1626-1646): MQVFGNIKLD[Glu1636Lys]ESHINRHNNF

ClinVar aggregate classification (germline): Uncertain significance (1 of 4 stars; one submission).

gnomAD v4.1: 5 of 1,591,048 alleles (0.00031%); highest among the groups gnomAD compares: Non-Finnish European, 0.00043%; no homozygotes.

Submission:

GeneDx
Classification: Uncertain significance. Last evaluated: 2024-12-28. Review status: criteria provided, single submitter. Criteria: GeneDx Variant Classification Process June 2021. Collection method: clinical testing. Allele origin: germline. Affected: yes.
Comment: In silico analysis supports that this missense variant has a deleterious effect on protein structure/function; Has not been previously published as pathogenic or benign to our knowledge